The following is an entry in ClinVar:

NM_001244926.2(PRPF4):c.1246C>T (p.Pro416Ser)

Gene: PRPF4 (pre-mRNA splicing tri-snRNP complex factor PRPF4; plus strand). Cytogenetic location: 9q32.
Variant type: single nucleotide variant.
Coding change: c.1246C>T on transcript NM_001244926.2 (MANE Select); coding-DNA position 1246, C replaced by T.
Protein change: p.Pro416Ser; replaces proline 416 with serine.
Molecular consequence: missense variant. On other transcripts: non-coding transcript variant (2).
Genome position (GRCh38, 1-based): chr9:113,290,800, C>T. VCF-style: chr9-113290800-C-T. GRCh37 (hg19) VCF-style: chr9-116053080-C-T.
Other names: c.520C>T, p.Pro174Ser (NM_001322266.2, NM_001322267.2); c.1249C>T, p.Pro417Ser (NM_004697.5); short protein forms P174S, P417S, P416S.
Identifiers: ClinVar variation 1371628 (VCV001371628.6), dbSNP rs760926581, ClinGen allele CA5195122.
Genomic context (GRCh38, chr9:113,290,800, plus strand): 5'-GGACGTTGTATCATGTTCTTAGAAGGCCACCTGAAAGAAATCTATGGAATAAATTTCTCC[C>T]CCAATGGGTAAAATAAACACACTGAATGAGGGGCGAAAAAGGGTTCTGGGTCAGTAAGTA-3'
Protein context (NP_001231855.1, residues 406-426): LKEIYGINFS[Pro416Ser]NGYHIATGSG

ClinVar aggregate classification (germline): Uncertain significance (1 of 4 stars; one submission).

Allele frequency attached by ClinVar (database versions not stated): gnomAD exomes below 0.00001; TOPMed below 0.00001; ExAC 0.00001; gnomAD 0.00001.
gnomAD v4.1: 1 of 1,614,034 alleles (0.000062%); highest among the groups gnomAD compares: Non-Finnish European, 0.000085%; no homozygotes.

Submission:

Labcorp Genetics (formerly Invitae), Labcorp
Classification: Uncertain significance. Last evaluated: 2022-06-05. Review status: criteria provided, single submitter. Criteria: Invitae Variant Classification Sherloc (09022015). Collection method: clinical testing. Allele origin: germline.
Comment: This sequence change replaces proline, which is neutral and non-polar, with serine, which is neutral and polar, at codon 417 of the PRPF4 protein (p.Pro417Ser). This variant is present in population databases (rs760926581, gnomAD 0.006%). This variant has not been reported in the literature in individuals affected with PRPF4-related conditions. ClinVar contains an entry for this variant (Variation ID: 1371628). Algorithms developed to predict the effect of missense changes on protein structure and function are either unavailable or do not agree on the potential impact of this missense change (SIFT: "Deleterious"; PolyPhen-2: "Possibly Damaging"; Align-GVGD: "Class C0"). In summary, the available evidence is currently insufficient to determine the role of this variant in disease. Therefore, it has been classified as a Variant of Uncertain Significance.